The following is an entry in ClinVar:

NM_001165963.4(SCN1A):c.280A>T (p.Asn94Tyr)

Gene: SCN1A (sodium voltage-gated channel alpha subunit 1; minus strand). Cytogenetic location: 2q24.3.
Variant type: single nucleotide variant.
Coding change: c.280A>T on transcript NM_001165963.4 (MANE Select); coding-DNA position 280, A replaced by T.
Protein change: p.Asn94Tyr; replaces asparagine 94 with tyrosine.
Molecular consequence: missense variant. On other transcripts: 5 prime UTR variant (1), non-coding transcript variant (1).
Genome position (GRCh38, 1-based): chr2:166,058,673, T>A on the plus strand (A>T on the coding strand, the complement: SCN1A is on the minus strand). VCF-style: chr2-166058673-T-A. GRCh37 (hg19) VCF-style: chr2-166915183-T-A.
Other names: c.280A>T, p.Asn94Tyr (NM_001165964.3, NM_001202435.3, NM_001353948.2 and 10 more transcripts); c.-2146A>T (NM_001353961.2); short protein forms N94Y.
Identifiers: ClinVar variation 857320 (VCV000857320.8), dbSNP rs1699367901, ClinGen allele CA349077255.

ClinVar aggregate classification (germline): Pathogenic (1 of 4 stars; one submission).

Conditions:
Early-infantile DEE. Also called: Early infantile epileptic encephalopathy; Early infantile epileptic encephalopathy with suppression bursts; Ohtahara syndrome. Identifiers: Orphanet 1934, MedGen C0393706, MONDO:0800491.

Submission:

Labcorp Genetics (formerly Invitae), Labcorp
Classification: Pathogenic for Early-infantile DEE. Last evaluated: 2021-11-29. Review status: criteria provided, single submitter. Criteria: Invitae Variant Classification Sherloc (09022015). Collection method: clinical testing. Allele origin: germline.
Comment: This variant is not present in population databases (gnomAD no frequency). This sequence change replaces asparagine, which is neutral and polar, with tyrosine, which is neutral and polar, at codon 94 of the SCN1A protein (p.Asn94Tyr). This missense change has been observed in individual(s) with SCN1A-related conditions (Invitae). In at least one individual the variant was observed to be de novo. ClinVar contains an entry for this variant (Variation ID: 857320). Advanced modeling of protein sequence and biophysical properties (such as structural, functional, and spatial information, amino acid conservation, physicochemical variation, residue mobility, and thermodynamic stability) performed at Invitae indicates that this missense variant is expected to disrupt SCN1A protein function. This variant disrupts the p.Asn94 amino acid residue in SCN1A. Other variant(s) that disrupt this residue have been observed in individuals with SCN1A-related conditions (PMID: 28012175; Invitae), which suggests that this may be a clinically significant amino acid residue. For these reasons, this variant has been classified as Pathogenic.

Literature cited by the submitters: PubMed 28012175.